The following is an entry in ClinVar:

NM_139057.4(ADAMTS17):c.2923G>A (p.Glu975Lys)

Gene: ADAMTS17 (ADAM metallopeptidase with thrombospondin type 1 motif 17; minus strand). Cytogenetic location: 15q26.3.
Variant type: single nucleotide variant.
Coding change: c.2923G>A on transcript NM_139057.4 (MANE Select); coding-DNA position 2923, G replaced by A.
Protein change: p.Glu975Lys; replaces glutamic acid 975 with lysine.
Molecular consequence: missense variant.
Genome position (GRCh38, 1-based): chr15:99,993,074, C>T on the plus strand (G>A on the coding strand, the complement: ADAMTS17 is on the minus strand). VCF-style: chr15-99993074-C-T. GRCh37 (hg19) VCF-style: chr15-100533279-C-T.
Other names: short protein forms E975K.
Identifiers: ClinVar variation 315258 (VCV000315258.7), dbSNP rs775321973, ClinGen allele CA7757534.

ClinVar aggregate classification (germline): Uncertain significance. Review status: criteria provided, multiple submitters, no conflicts (2 of 4 stars). 3 submissions from 3 submitters: Uncertain significance (3). Last evaluated 2025-05-26.

Conditions:
Weill-Marchesani 4 syndrome, recessive. Also called: Weill-Marchesani syndrome 4. Identifiers: Orphanet 363992, MedGen C2750787, MONDO:0013176, OMIM 613195.
Inborn genetic diseases. Identifiers: MedGen C0950123, MeSH D030342.

Allele frequency attached by ClinVar (database versions not stated): TOPMed below 0.00001; gnomAD exomes 0.00001; ExAC 0.00002.

Submissions (3):

Ambry Genetics
Classification: Uncertain significance for Inborn genetic diseases. Last evaluated: 2025-05-26. Review status: criteria provided, single submitter. Criteria: Ambry Variant Classification Scheme 2023. Collection method: clinical testing. Allele origin: germline.

Labcorp Genetics (formerly Invitae), Labcorp
Classification: Uncertain significance. Last evaluated: 2022-03-26. Review status: criteria provided, single submitter. Criteria: Invitae Variant Classification Sherloc (09022015). Collection method: clinical testing. Allele origin: germline.
Comment: This sequence change replaces glutamic acid, which is acidic and polar, with lysine, which is basic and polar, at codon 975 of the ADAMTS17 protein (p.Glu975Lys). This variant is present in population databases (rs775321973, gnomAD 0.01%), including at least one homozygous and/or hemizygous individual. This variant has not been reported in the literature in individuals affected with ADAMTS17-related conditions. ClinVar contains an entry for this variant (Variation ID: 315258). Algorithms developed to predict the effect of missense changes on protein structure and function are either unavailable or do not agree on the potential impact of this missense change (SIFT: "Not Available"; PolyPhen-2: "Possibly Damaging"; Align-GVGD: "Not Available"). In summary, the available evidence is currently insufficient to determine the role of this variant in disease. Therefore, it has been classified as a Variant of Uncertain Significance.

Illumina Laboratory Services, Illumina
Classification: Uncertain significance for Weill-Marchesani 4 syndrome, recessive. Last evaluated: 2018-01-13. Review status: criteria provided, single submitter. Criteria: ICSL Variant Classification Criteria 13 December 2019. Collection method: clinical testing. Allele origin: germline.